The following is an entry in ClinVar:

NM_000257.4(MYH7):c.1784A>G (p.Gln595Arg)

Gene: MYH7 (myosin heavy chain 7; minus strand). Cytogenetic location: 14q11.2.
Variant type: single nucleotide variant.
Coding change: c.1784A>G on transcript NM_000257.4 (MANE Select); coding-DNA position 1784, A replaced by G.
Protein change: p.Gln595Arg; replaces glutamine 595 with arginine.
Molecular consequence: missense variant.
Genome position (GRCh38, 1-based): chr14:23,427,689, T>C on the plus strand (A>G on the coding strand, the complement: MYH7 is on the minus strand). VCF-style: chr14-23427689-T-C. GRCh37 (hg19) VCF-style: chr14-23896898-T-C.
Other names: short protein forms Q595R.
Identifiers: ClinVar variation 3072346 (VCV003072346.1), dbSNP rs1381638438, ClinGen allele CA389049824.

ClinVar aggregate classification (germline): Uncertain significance (1 of 4 stars; one submission).

Conditions:
Cardiomyopathy (CMYO). Also called: Cardiomyopathies. Identifiers: Orphanet 167848, MedGen C0878544, MONDO:0004994, HP:0001638. Inheritance: Various modes of inheritance.

Allele frequency attached by ClinVar (database versions not stated): gnomAD exomes below 0.00001.

Submission:

All of Us Research Program, National Institutes of Health
Classification: Uncertain significance for Cardiomyopathy. Last evaluated: 2023-07-10. Review status: criteria provided, single submitter. Criteria: ACMG Guidelines, 2015. Collection method: clinical testing. Allele origin: germline. Inheritance: Autosomal dominant inheritance. Observed: 1 variant allele, 1 heterozygote.
Comment: This missense variant replaces glutamine with arginine at codon 595 of the MYH7 protein. Computational prediction suggests that this variant may not impact protein structure and function (internally defined REVEL score threshold <= 0.5, PMID: 27666373). To our knowledge, functional studies have not been reported for this variant. This variant has not been reported in individuals affected with MYH7-related disorders in the literature. This variant has not been identified in the general population by the Genome Aggregation Database (gnomAD). The available evidence is insufficient to determine the role of this variant in disease conclusively. Therefore, this variant is classified as a Variant of Uncertain Significance.

This study involves interpretation of variants in research participants for the purpose of population health screening. Participant phenotype was not available at the time of variant classification. Additional details can be found in publication PMID: 35346344, PMCID: PMC8962531